The following is an entry in ClinVar:

NM_004036.5(ADCY3):c.2308C>T (p.Gln770Ter)

Gene: ADCY3 (adenylate cyclase 3; minus strand). Cytogenetic location: 2p23.3.
Variant type: single nucleotide variant.
Coding change: c.2308C>T on transcript NM_004036.5 (MANE Select); coding-DNA position 2308, C replaced by T.
Protein change: p.Gln770Ter; replaces glutamine 770 with a stop codon.
Molecular consequence: nonsense. On other transcripts: intron variant (2).
Genome position (GRCh38, 1-based): chr2:24,828,026, G>A on the plus strand (C>T on the coding strand, the complement: ADCY3 is on the minus strand). VCF-style: chr2-24828026-G-A. GRCh37 (hg19) VCF-style: chr2-25050895-G-A.
Other names: c.2308C>T, p.Gln770Ter (NM_001320613.2, NM_001377132.1); c.2374C>T, p.Gln792Ter (NM_001377128.1); c.1585C>T, p.Gln529Ter (NM_001377131.1); c.2172+2683C>T (NM_001377130.1); c.2173-3C>T (NM_001377129.1); short protein forms Q529*, Q770*, Q792*.
Identifiers: ClinVar variation 3391513 (VCV003391513.2).

ClinVar aggregate classification (germline): Pathogenic (1 of 4 stars; one submission).

Submission:

GeneDx
Classification: Pathogenic. Last evaluated: 2025-04-03. Review status: criteria provided, single submitter. Criteria: GeneDx Variant Classification Process June 2021. Collection method: clinical testing. Allele origin: germline.
Comment: Nonsense variant predicted to result in protein truncation or nonsense mediated decay in a gene for which loss of function is a known mechanism of disease; Not observed at significant frequency in large population cohorts (gnomAD); Has not been previously published as pathogenic or benign to our knowledge